The following is an entry in ClinVar:

ClinVar aggregate classification (germline): Likely pathogenic (1 of 4 stars; one submission).

Submission:

GeneDx
Classification: Likely pathogenic. Last evaluated: 2023-12-19. Review status: criteria provided, single submitter. Criteria: GeneDx Variant Classification Process June 2021. Collection method: clinical testing. Allele origin: germline. Affected: yes.
Comment: Affects a cysteine residue within a calcium-binding EGF-like domain of the FBN1 gene, which may affect disulfide bonding and is predicted to alter the structure and function of the protein; cysteine substitutions in the calcium-binding EGF-like domains represent the majority of pathogenic missense changes associated with FBN1 related disorders (PMID: 12938084); Not observed at significant frequency in large population cohorts (gnomAD); In silico analysis supports that this missense variant has a deleterious effect on protein structure/function; Has not been previously published as pathogenic or benign to our knowledge; This variant is associated with the following publications: (PMID: 12938084)

NM_000138.5(FBN1):c.7216T>A (p.Cys2406Ser)

Gene: FBN1 (fibrillin 1; minus strand). Cytogenetic location: 15q21.1.
Variant type: single nucleotide variant.
Coding change: c.7216T>A on transcript NM_000138.5 (MANE Select); coding-DNA position 7216, T replaced by A.
Protein change: p.Cys2406Ser; replaces cysteine 2406 with serine.
Molecular consequence: missense variant.
Genome position (GRCh38, 1-based): chr15:48,425,853, A>T on the plus strand (T>A on the coding strand, the complement: FBN1 is on the minus strand). VCF-style: chr15-48425853-A-T. GRCh37 (hg19) VCF-style: chr15-48718050-A-T.
Other names: c.7216T>A, p.Cys2406Ser (NM_001406716.1); short protein forms C2406S.
Identifiers: ClinVar variation 3253127 (VCV003253127.1), dbSNP rs2042976167.